The following is an entry in ClinVar:

NM_001127208.3(TET2):c.4493G>T (p.Arg1498Leu)

Genes: TET2 (tet methylcytosine dioxygenase 2; plus strand), TET2-AS1 (TET2 antisense RNA 1; minus strand). Cytogenetic location: 4q24.
Variant type: single nucleotide variant.
Coding change: c.4493G>T on transcript NM_001127208.3 (MANE Select); coding-DNA position 4493, G replaced by T.
Protein change: p.Arg1498Leu; replaces arginine 1498 with leucine.
Molecular consequence: missense variant.
Genome position (GRCh38, 1-based): chr4:105,272,874, G>T. VCF-style: chr4-105272874-G-T. GRCh37 (hg19) VCF-style: chr4-106194031-G-T.
Other names: short protein forms R1498L.
Identifiers: ClinVar variation 3388747 (VCV003388747.14).

ClinVar aggregate classification (germline): Uncertain significance (1 of 4 stars; one submission).

gnomAD v4.1: 2 of 1,545,500 alleles (0.00013%); highest among the groups gnomAD compares: Non-Finnish European, 0.00017%; no homozygotes.

Submission:

CeGaT Center for Human Genetics Tuebingen
Classification: Uncertain significance. Last evaluated: 2024-11-01. Review status: criteria provided, single submitter. Criteria: CeGaT Center For Human Genetics Tuebingen Variant Classification Criteria Version 2. Collection method: clinical testing. Allele origin: germline. Affected: yes. Observed: 1 variant allele.
Comment: TET2: PM2, BP4